The following is an entry in ClinVar:

ClinVar aggregate classification (germline): Pathogenic (1 of 4 stars; one submission).

Conditions:
Hereditary cancer-predisposing syndrome. Also called: Neoplastic Syndromes, Hereditary; Tumor predisposition; Hereditary Cancer Syndrome; Hereditary neoplastic syndrome. Identifiers: Orphanet 140162, MedGen C0027672, MeSH D009386, MONDO:0015356.

Submission:

Ambry Genetics
Classification: Pathogenic for Hereditary cancer-predisposing syndrome. Last evaluated: 2026-07-15. Review status: criteria provided, single submitter. Criteria: Ambry Variant Classification Scheme 2023. Collection method: clinical testing. Allele origin: germline.
Comment: The p.K972* pathogenic mutation (also known as c.2914A>T), located in coding exon 10 of the BRCA2 gene, results from an A to T substitution at nucleotide position 2914. This changes the amino acid from a lysine to a stop codon within coding exon 10. This variant is considered to be rare based on population cohorts in the Genome Aggregation Database (gnomAD). This alteration is expected to result in loss of function by premature protein truncation or nonsense-mediated mRNA decay. As such, this alteration is interpreted as a disease-causing mutation.

NM_000059.4(BRCA2):c.2914A>T (p.Lys972Ter)

Gene: BRCA2 (BRCA2 DNA repair associated; plus strand). Cytogenetic location: 13q13.1.
Variant type: single nucleotide variant.
Coding change: c.2914A>T on transcript NM_000059.4 (MANE Select); coding-DNA position 2914, A replaced by T.
Protein change: p.Lys972Ter; replaces lysine 972 with a stop codon.
Molecular consequence: nonsense.
Genome position (GRCh38, 1-based): chr13:32,337,269, A>T. VCF-style: chr13-32337269-A-T. GRCh37 (hg19) VCF-style: chr13-32911406-A-T.
Other names: c.2914A>T (NM_000059.3); short protein forms K972*.
Identifiers: ClinVar variation 5033308 (VCV005033308.1).